The following is an entry in ClinVar:

NM_020066.5(FMN2):c.3108T>C (p.Leu1036=)

Gene: FMN2 (formin 2; plus strand). Cytogenetic location: 1q43.
Variant type: single nucleotide variant.
Coding change: c.3108T>C on transcript NM_020066.5 (MANE Select); coding-DNA position 3108, T replaced by C.
Protein change: p.Leu1036=; no amino-acid change (leucine 1036 retained).
Molecular consequence: synonymous variant. On other transcripts: intron variant (1).
Genome position (GRCh38, 1-based): chr1:240,207,920, T>C. VCF-style: chr1-240207920-T-C. GRCh37 (hg19) VCF-style: chr1-240371220-T-C.
Other names: c.3120T>C, p.Leu1040= (NM_001305424.2); c.1986+19658T>C (NM_001348094.2).
Identifiers: ClinVar variation 5039837 (VCV005039837.1).

ClinVar aggregate classification (germline): Likely benign (1 of 4 stars; one submission).

Submission:

CeGaT Center for Human Genetics Tuebingen
Classification: Likely benign. Last evaluated: 2026-08-01. Review status: criteria provided, single submitter. Criteria: CeGaT Center For Human Genetics Tuebingen Variant Classification Criteria Version 2. Collection method: clinical testing. Allele origin: germline. Affected: yes. Observed: 1 variant allele.
Comment: FMN2: PM2:Supporting, BP4, BP7